The following is an entry in ClinVar:

NM_001128225.3(SLC39A13):c.149A>G (p.Asn50Ser)

Gene: SLC39A13 (solute carrier family 39 member 13; plus strand). Cytogenetic location: 11p11.2.
Variant type: single nucleotide variant.
Coding change: c.149A>G on transcript NM_001128225.3 (MANE Select); coding-DNA position 149, A replaced by G.
Protein change: p.Asn50Ser; replaces asparagine 50 with serine.
Molecular consequence: missense variant. On other transcripts: non-coding transcript variant (1).
Genome position (GRCh38, 1-based): chr11:47,410,243, A>G. VCF-style: chr11-47410243-A-G. GRCh37 (hg19) VCF-style: chr11-47431794-A-G.
Other names: c.149A>G, p.Asn50Ser (NM_001330245.2, NM_152264.5); short protein forms N50S.
Identifiers: ClinVar variation 835146 (VCV000835146.8), dbSNP rs563652715, ClinGen allele CA5975680.

ClinVar aggregate classification (germline): Uncertain significance (1 of 4 stars; one submission).

Conditions:
Ehlers-Danlos syndrome, spondylodysplastic type, 3. Also called: Ehlers-Danlos syndrome, spondylocheirodysplastic type. Identifiers: Orphanet 157965, MedGen C2676510, MONDO:0012873, OMIM 612350.

Allele frequency attached by ClinVar (database versions not stated): gnomAD exomes below 0.00001; gnomAD 0.00001; TOPMed 0.00001; ExAC 0.00002; 1000 Genomes Project 0.00020; 1000 Genomes Project 30x 0.00031.
gnomAD v4.1: 6 of 1,614,128 alleles (0.00037%); highest among the groups gnomAD compares: Admixed American, 0.0067%; no homozygotes.

Submission:

Labcorp Genetics (formerly Invitae), Labcorp
Classification: Uncertain significance for Ehlers-Danlos syndrome, spondylodysplastic type, 3. Last evaluated: 2024-01-24. Review status: criteria provided, single submitter. Criteria: Invitae Variant Classification Sherloc (09022015). Collection method: clinical testing. Allele origin: germline.
Comment: This sequence change replaces asparagine, which is neutral and polar, with serine, which is neutral and polar, at codon 50 of the SLC39A13 protein (p.Asn50Ser). This variant is present in population databases (rs563652715, gnomAD 0.006%). This variant has not been reported in the literature in individuals affected with SLC39A13-related conditions. ClinVar contains an entry for this variant (Variation ID: 835146). Algorithms developed to predict the effect of missense changes on protein structure and function output the following: SIFT: "Not Available"; PolyPhen-2: "Benign"; Align-GVGD: "Not Available". The serine amino acid residue is found in multiple mammalian species, which suggests that this missense change does not adversely affect protein function. In summary, the available evidence is currently insufficient to determine the role of this variant in disease. Therefore, it has been classified as a Variant of Uncertain Significance.